The following is an entry in ClinVar:

ClinVar aggregate classification (germline): Pathogenic. Review status: criteria provided, single submitter (1 of 4 stars). 2 submissions from 2 submitters: Pathogenic (1). 1 of the submissions does not count toward it. Last evaluated 2024-02-14.

Conditions:
Long chain 3-hydroxyacyl-CoA dehydrogenase deficiency. Also called: Deficiency of long-chain 3-hydroxyacyl-coenzyme A dehydrogenase; LCHAD Deficiency. Identifiers: Orphanet 5, MedGen C3711645, MONDO:0012173, OMIM 609016.
Mitochondrial trifunctional protein deficiency. Identifiers: Orphanet 746, MedGen C1969443, MONDO:0012172.

Submissions (2):

Labcorp Genetics (formerly Invitae), Labcorp
Classification: Pathogenic for Mitochondrial trifunctional protein deficiency; Long chain 3-hydroxyacyl-CoA dehydrogenase deficiency. Last evaluated: 2024-02-14. Review status: criteria provided, single submitter. Criteria: Invitae Variant Classification Sherloc (09022015). Collection method: clinical testing. Allele origin: germline.
Comment: This sequence change creates a premature translational stop signal (p.Trp80*) in the HADHA gene. It is expected to result in an absent or disrupted protein product. Loss-of-function variants in HADHA are known to be pathogenic (PMID: 7738175, 21103935, 21549624, 22459206). This variant is not present in population databases (gnomAD no frequency). This variant has not been reported in the literature in individuals affected with HADHA-related conditions. ClinVar contains an entry for this variant (Variation ID: 370220). For these reasons, this variant has been classified as Pathogenic.

Counsyl
Classification: Likely pathogenic for Long chain 3-hydroxyacyl-CoA dehydrogenase deficiency. Last evaluated: 2015-12-15. Review status: no assertion criteria provided. Collection method: clinical testing. Allele origin: unknown. Not counted in ClinVar's aggregate classification.

Literature cited by the submitters: PubMed 7738175 (cited by Labcorp Genetics (formerly Invitae), Labcorp); PubMed 21103935 (cited by Labcorp Genetics (formerly Invitae), Labcorp); PubMed 21549624 (cited by Labcorp Genetics (formerly Invitae), Labcorp); PubMed 22459206 (cited by Labcorp Genetics (formerly Invitae), Labcorp).

NM_000182.5(HADHA):c.240G>A (p.Trp80Ter)

Gene: HADHA (hydroxyacyl-CoA dehydrogenase trifunctional multienzyme complex subunit alpha; minus strand). Cytogenetic location: 2p23.3.
Variant type: single nucleotide variant.
Coding change: c.240G>A on transcript NM_000182.5 (MANE Select); coding-DNA position 240, G replaced by A.
Protein change: p.Trp80Ter; replaces tryptophan 80 with a stop codon.
Molecular consequence: nonsense.
Genome position (GRCh38, 1-based): chr2:26,236,929, C>T on the plus strand (G>A on the coding strand, the complement: HADHA is on the minus strand). VCF-style: chr2-26236929-C-T. GRCh37 (hg19) VCF-style: chr2-26459797-C-T.
Other names: short protein forms W80*.
Identifiers: ClinVar variation 370220 (VCV000370220.5), dbSNP rs1057516326, ClinGen allele CA16040882.